The following is an entry in ClinVar:

ClinVar aggregate classification (germline): Conflicting classifications of pathogenicity. Review status: criteria provided, conflicting classifications (1 of 4 stars). 6 submissions from 6 submitters: Uncertain significance (2); Benign (1); Likely benign (3). Last evaluated 2025-10-29.

Conditions:
Bethlem myopathy 1A. Also called: Bethlem Muscular Dystrophy; Bethlem myopathy 1; MYOPATHY, BENIGN CONGENITAL, WITH CONTRACTURES. Identifiers: Orphanet 610, MedGen CN029274, MONDO:0024530, OMIM 158810.
Inborn genetic diseases. Identifiers: MedGen C0950123, MeSH D030342.
Collagen 6-related myopathy. Identifiers: MedGen CN117976, MONDO:0100225.

Allele frequency attached by ClinVar (database versions not stated): TOPMed 0.00006; gnomAD 0.00007; 1000 Genomes Project 30x 0.00031; 1000 Genomes Project 0.00040.
gnomAD v4.1: 116 of 1,612,694 alleles (0.0072%); highest among the groups gnomAD compares: South Asian, 0.038%; 1 homozygote.

Submissions (6):

Labcorp Genetics (formerly Invitae), Labcorp
Classification: Likely benign for Bethlem myopathy 1A. Last evaluated: 2025-10-29. Review status: criteria provided, single submitter. Criteria: Invitae Variant Classification Sherloc (09022015). Collection method: clinical testing. Allele origin: germline.

Mayo Clinic Laboratories, Mayo Clinic
Classification: Uncertain significance. Last evaluated: 2025-07-16. Review status: criteria provided, single submitter. Criteria: ACMG Guidelines, 2015. Collection method: clinical testing. Allele origin: germline. Observed: 1 variant allele.
Comment: BP4

Ambry Genetics
Classification: Likely benign for Inborn genetic diseases. Last evaluated: 2024-09-27. Review status: criteria provided, single submitter. Criteria: Ambry Variant Classification Scheme 2023. Collection method: clinical testing. Allele origin: germline.

Revvity Omics, Revvity
Classification: Uncertain significance. Last evaluated: 2023-04-12. Review status: criteria provided, single submitter. Criteria: ACMG Guidelines, 2015. Collection method: clinical testing. Allele origin: germline.

Illumina Laboratory Services, Illumina
Classification: Benign for Collagen VI-related myopathy. Last evaluated: 2018-03-06. Review status: criteria provided, single submitter. Criteria: ICSL Variant Classification Criteria 13 December 2019. Collection method: clinical testing. Allele origin: germline.
Comment: This variant was observed in the ICSL laboratory as part of a predisposition screen in an ostensibly healthy population. It had not been previously curated by ICSL or reported in the Human Gene Mutation Database (HGMD: prior to June 1st, 2018), and was therefore a candidate for classification through an automated scoring system. Utilizing variant allele frequency, disease prevalence and penetrance estimates, and inheritance mode, an automated score was calculated to assess if this variant is too frequent to cause the disease. Based on the score and internal cut-off values, a variant classified as benign is not then subjected to further curation. The score for this variant resulted in a classification of benign for this disease.

Breakthrough Genomics
Classification: Likely benign. Review status: criteria provided, single submitter. Criteria: ACMG Guidelines, 2015. Collection method: not provided. Allele origin: germline. Inheritance: Autosomal recessive inheritance. Affected: yes.

Literature cited by the submitters: PubMed 33057194 (cited by Mayo Clinic Laboratories, Mayo Clinic); PubMed 35982159 (cited by Mayo Clinic Laboratories, Mayo Clinic).

NM_001848.3(COL6A1):c.334G>A (p.Ala112Thr)

Gene: COL6A1 (collagen type VI alpha 1 chain; plus strand). Cytogenetic location: 21q22.3.
Variant type: single nucleotide variant.
Coding change: c.334G>A on transcript NM_001848.3 (MANE Select); coding-DNA position 334, G replaced by A.
Protein change: p.Ala112Thr; replaces alanine 112 with threonine.
Molecular consequence: missense variant.
Genome position (GRCh38, 1-based): chr21:45,984,375, G>A. VCF-style: chr21-45984375-G-A. GRCh37 (hg19) VCF-style: chr21-47404289-G-A.
Other names: p.Ala112Thr; short protein forms A112T.
Identifiers: ClinVar variation 647619 (VCV000647619.19), dbSNP rs568865339, ClinGen allele CA10069531.